The following is an entry in ClinVar:

NM_000548.5(TSC2):c.1108C>T (p.Gln370Ter)

Gene: TSC2 (TSC complex subunit 2; plus strand). Cytogenetic location: 16p13.3.
Variant type: single nucleotide variant.
Coding change: c.1108C>T on transcript NM_000548.5 (MANE Select); coding-DNA position 1108, C replaced by T.
Protein change: p.Gln370Ter; replaces glutamine 370 with a stop codon.
Molecular consequence: nonsense.
Genome position (GRCh38, 1-based): chr16:2,060,802, C>T. VCF-style: chr16-2060802-C-T. GRCh37 (hg19) VCF-style: chr16-2110803-C-T.
Other names: c.1108C>T, p.Gln370Ter (NM_001077183.3, NM_001114382.3, NM_001363528.2 and 3 more transcripts); c.997C>T, p.Gln333Ter (NM_001318827.2); c.961C>T, p.Gln321Ter (NM_001318829.2); c.508C>T, p.Gln170Ter (NM_001318831.2); c.1141C>T, p.Gln381Ter (NM_001318832.2); short protein forms Q381*, Q333*, Q170*, Q321*, Q370*.
Identifiers: ClinVar variation 647290 (VCV000647290.17), dbSNP rs1596298721, ClinGen allele CA394318338.

ClinVar aggregate classification (germline): Pathogenic. Review status: criteria provided, multiple submitters, no conflicts (2 of 4 stars). 6 submissions from 6 submitters: Pathogenic (5). 1 of the submissions does not count toward it. Last evaluated 2025-11-13.

Conditions:
Hereditary cancer-predisposing syndrome. Also called: Neoplastic Syndromes, Hereditary; Hereditary Cancer Syndrome; Tumor predisposition; Hereditary neoplastic syndrome. Identifiers: Orphanet 140162, MedGen C0027672, MeSH D009386, MONDO:0015356.
TSC2-related disorder. Also called: TSC2-related condition; TSC2-Related Disorders.
Tuberous sclerosis 2 (TSC2). Identifiers: Orphanet 805, MedGen C1860707, MONDO:0013199, OMIM 613254.

Submissions (6):

Victorian Clinical Genetics Services, Murdoch Childrens Research Institute
Classification: Pathogenic for Tuberous sclerosis 2. Last evaluated: 2025-11-13. Review status: criteria provided, single submitter. Criteria: ACMG Guidelines, 2015. Collection method: clinical testing. Allele origin: germline. Affected: yes.
Comment: This variant is classified as Pathogenic. Evidence in support of pathogenic classification: Variant is predicted to cause nonsense-mediated decay (NMD) and loss of protein (premature termination codon is located at least 54 nucleotides upstream of the final exon-exon junction); Variant is absent from gnomAD (v2, v3 and v4); This variant has moderate previous evidence of pathogenicity in unrelated individuals. This variant has been classified as pathogenic by clinical laboratories in ClinVar; Other NMD-predicted variant(s) comparable to the one identified in this case have very strong previous evidence for pathogenicity (DECIPHER); Additional information: This variant is heterozygous; This gene is associated with autosomal dominant disease; Loss of function is a known mechanism of disease in this gene and is associated with tuberous sclerosis-2 (MIM#613254); Variants in this gene are known to have variable expressivity. Clinical manifestations demonstrate great phenotypic variability, where even within families the clinical symptoms can vary significantly among individuals (PMID: 31018109).

Labcorp Genetics (formerly Invitae), Labcorp
Classification: Pathogenic for Tuberous sclerosis 2. Last evaluated: 2025-09-19. Review status: criteria provided, single submitter. Criteria: Invitae Variant Classification Sherloc (09022015). Collection method: clinical testing. Allele origin: germline.
Comment: This sequence change creates a premature translational stop signal (p.Gln370*) in the TSC2 gene. It is expected to result in an absent or disrupted protein product. Loss-of-function variants in TSC2 are known to be pathogenic (PMID: 10205261, 17304050). This variant is not present in population databases (gnomAD no frequency). This premature translational stop signal has been observed in individual(s) with tuberous sclerosis complex (PMID: 21520333, 25782670, 26540169). ClinVar contains an entry for this variant (Variation ID: 647290). Algorithms developed to predict the effect of sequence changes on RNA splicing suggest that this variant may disrupt the consensus splice site. For these reasons, this variant has been classified as Pathogenic.

GeneDx
Classification: Pathogenic. Last evaluated: 2025-05-07. Review status: criteria provided, single submitter. Criteria: GeneDx Variant Classification Process June 2021. Collection method: clinical testing. Allele origin: germline. Affected: yes.
Comment: Nonsense variant predicted to result in protein truncation or nonsense mediated decay in a gene for which loss of function is a known mechanism of disease; Not observed at significant frequency in large population cohorts (gnomAD); This variant is associated with the following publications: (PMID: 25525159, 16114042, 25782670, 26540169, 12045200, 12546430, 31440721, 36232477, 30336374)

Blueprint Genetics
Classification: Pathogenic for TSC2-related disorders. Last evaluated: 2022-09-28. Review status: criteria provided, single submitter. Criteria: ACMG Guidelines, 2015. Collection method: clinical testing. Allele origin: germline. Affected: yes. Observed: 1 variant allele.

Ambry Genetics
Classification: Pathogenic for Hereditary cancer-predisposing syndrome. Last evaluated: 2021-01-19. Review status: criteria provided, single submitter. Criteria: Ambry Variant Classification Scheme 2023. Collection method: clinical testing. Allele origin: germline.
Comment: The p.Q370* pathogenic mutation (also known as c.1108C>T), located in coding exon 10 of the TSC2 gene, results from a C to T substitution at nucleotide position 1108. This changes the amino acid from a glutamine to a stop codon within coding exon 10. This mutation has been reported in multiple individuals with features of tuberous sclerosis complex (TSC) (Tyburczy ME et al. PLoS Genet, 2015 Nov;11:e1005637; Kwiatkowski DJ et al. Eur J Hum Genet, 2015 Dec;23:1665-72; Kondo T et al. Leg Med (Tokyo), 2019 Feb;36:37-40). In addition to the clinical data presented in the literature, this alteration is expected to result in loss of function by premature protein truncation or nonsense-mediated mRNA decay. As such, this alteration is interpreted as a disease-causing mutation.

Division of Genomic Medicine, Department of Advanced Medicine, Medical Research Institute, Kanazawa Medical University
Classification: Pathogenic for Tuberous sclerosis 2. Last evaluated: 2020-06-11. Review status: no assertion criteria provided. Collection method: clinical testing. Allele origin: germline. Affected: yes. Observed: 1 variant allele. Not counted in ClinVar's aggregate classification.

Literature cited by the submitters: PubMed 31018109 (cited by Victorian Clinical Genetics Services, Murdoch Childrens Research Institute); PubMed 10205261 (cited by Labcorp Genetics (formerly Invitae), Labcorp); PubMed 17304050 (cited by Labcorp Genetics (formerly Invitae), Labcorp); PubMed 21520333 (cited by Labcorp Genetics (formerly Invitae), Labcorp); PubMed 25782670 (cited by Labcorp Genetics (formerly Invitae), Labcorp and Ambry Genetics); PubMed 26540169 (cited by Labcorp Genetics (formerly Invitae), Labcorp and Ambry Genetics); PubMed 30336374 (cited by Ambry Genetics).